The following is an entry in ClinVar:

NM_001933.5(DLST):c.443-3C>T

Gene: DLST (dihydrolipoamide S-succinyltransferase; plus strand). Cytogenetic location: 14q24.3.
Variant type: single nucleotide variant.
Coding change: c.443-3C>T on transcript NM_001933.5 (MANE Select); 3 bases into the intron before coding-DNA position 443, C replaced by T.
Molecular consequence: intron variant.
Genome position (GRCh38, 1-based): chr14:74,892,831, C>T. VCF-style: chr14-74892831-C-T. GRCh37 (hg19) VCF-style: chr14-75359534-C-T.
Identifiers: ClinVar variation 3712553 (VCV003712553.2).

ClinVar aggregate classification (germline): Uncertain significance (1 of 4 stars; one submission).

Submission:

Labcorp Genetics (formerly Invitae), Labcorp
Classification: Uncertain significance. Last evaluated: 2024-08-20. Review status: criteria provided, single submitter. Criteria: Invitae Variant Classification Sherloc (09022015). Collection method: clinical testing. Allele origin: germline.
Comment: This sequence change falls in intron 7 of the DLST gene. It does not directly change the encoded amino acid sequence of the DLST protein. It affects a nucleotide within the consensus splice site. This variant is present in population databases (no rsID available, gnomAD 0.003%). This variant has not been reported in the literature in individuals affected with DLST-related conditions. Variants that disrupt the consensus splice site are a relatively common cause of aberrant splicing (PMID: 17576681, 9536098). In summary, the available evidence is currently insufficient to determine the role of this variant in disease. Therefore, it has been classified as a Variant of Uncertain Significance.

Literature cited by the submitters: PubMed 17576681; PubMed 9536098.